The following is an entry in ClinVar:

ClinVar aggregate classification (germline): Likely benign (1 of 4 stars; one submission).

Submission:

CeGaT Center for Human Genetics Tuebingen
Classification: Likely benign. Last evaluated: 2025-08-01. Review status: criteria provided, single submitter. Criteria: CeGaT Center For Human Genetics Tuebingen Variant Classification Criteria Version 2. Collection method: clinical testing. Allele origin: germline. Affected: yes. Observed: 1 variant allele.
Comment: PRAMEF15: BP4, BP7

NM_001098376.3(PRAMEF15):c.306C>T (p.Leu102=)

Gene: PRAMEF15 (PRAME family member 15; plus strand). Cytogenetic location: 1p36.21.
Variant type: single nucleotide variant.
Coding change: c.306C>T on transcript NM_001098376.3 (MANE Select); coding-DNA position 306, C replaced by T.
Protein change: p.Leu102=; no amino-acid change (leucine 102 retained).
Molecular consequence: synonymous variant.
Genome position (GRCh38, 1-based): chr1:13,319,384, C>T. VCF-style: chr1-13319384-C-T. GRCh37 (hg19) VCF-style: chr1-13645776-C-T.
Identifiers: ClinVar variation 4084043 (VCV004084043.8).